The following is an entry in ClinVar:

ClinVar aggregate classification (germline): Uncertain significance. Review status: criteria provided, multiple submitters, no conflicts (2 of 4 stars). 3 submissions from 3 submitters: Uncertain significance (2). 1 of the submissions does not count toward it. Last evaluated 2023-04-24.

Conditions:
Retinal dystrophy. Also called: Inherited retinal dystrophy. Identifiers: Orphanet 71862, MedGen C0854723, MeSH D058499, MONDO:0019118, HP:0000556.

Allele frequency attached by ClinVar (database versions not stated): ExAC 0.00001; gnomAD 0.00001; gnomAD exomes 0.00001; TOPMed 0.00001.
gnomAD v4.1: 18 of 1,614,066 alleles (0.0011%); highest among the groups gnomAD compares: Non-Finnish European, 0.0014%; no homozygotes.

Submissions (3):

Labcorp Genetics (formerly Invitae), Labcorp
Classification: Uncertain significance. Last evaluated: 2023-04-24. Review status: criteria provided, single submitter. Criteria: Invitae Variant Classification Sherloc (09022015). Collection method: clinical testing. Allele origin: germline.
Comment: In summary, the available evidence is currently insufficient to determine the role of this variant in disease. Therefore, it has been classified as a Variant of Uncertain Significance. Advanced modeling of protein sequence and biophysical properties (such as structural, functional, and spatial information, amino acid conservation, physicochemical variation, residue mobility, and thermodynamic stability) performed at Invitae indicates that this missense variant is expected to disrupt PCYT1A protein function. ClinVar contains an entry for this variant (Variation ID: 999419). This variant has not been reported in the literature in individuals affected with PCYT1A-related conditions. This variant is present in population databases (rs771371499, gnomAD 0.0009%). This sequence change replaces arginine, which is basic and polar, with cysteine, which is neutral and slightly polar, at codon 140 of the PCYT1A protein (p.Arg140Cys).

Blueprint Genetics
Classification: Uncertain significance. Last evaluated: 2022-08-12. Review status: criteria provided, single submitter. Criteria: ACMG Guidelines, 2015. Collection method: clinical testing. Allele origin: germline.

Institute of Human Genetics, Univ. Regensburg, Univ. Regensburg
Classification: Uncertain significance for Retinal dystrophy. Last evaluated: 2020-01-01. Review status: no assertion criteria provided. Criteria: ACMG Guidelines, 2015. Collection method: clinical testing. Allele origin: germline. Affected: yes. Not counted in ClinVar's aggregate classification.

NM_001312673.2(PCYT1A):c.418C>T (p.Arg140Cys)

Genes: PCYT1A (phosphate cytidylyltransferase 1A, choline; minus strand), LOC126806932 (BRD4-independent group 4 enhancer GRCh37_chr3:195973646-195974845; plus strand). Cytogenetic location: 3q29.
Variant type: single nucleotide variant.
Coding change: c.418C>T on transcript NM_001312673.2 (MANE Select); coding-DNA position 418, C replaced by T.
Protein change: p.Arg140Cys; replaces arginine 140 with cysteine.
Molecular consequence: missense variant.
Genome position (GRCh38, 1-based): chr3:196,247,435, G>A on the plus strand (C>T on the coding strand, the complement: PCYT1A is on the minus strand). VCF-style: chr3-196247435-G-A. GRCh37 (hg19) VCF-style: chr3-195974306-G-A.
Other names: c.418C>T, p.Arg140Cys (NM_005017.4); short protein forms R140C.
Identifiers: ClinVar variation 999419 (VCV000999419.5), dbSNP rs771371499, ClinGen allele CA2779534.